The following is an entry in ClinVar:

NM_172364.5(CACNA2D4):c.582C>G (p.His194Gln)

Gene: CACNA2D4 (calcium voltage-gated channel auxiliary subunit alpha2delta 4; minus strand). Cytogenetic location: 12p13.33.
Variant type: single nucleotide variant.
Coding change: c.582C>G on transcript NM_172364.5 (MANE Select); coding-DNA position 582, C replaced by G.
Protein change: p.His194Gln; replaces histidine 194 with glutamine.
Molecular consequence: missense variant.
Genome position (GRCh38, 1-based): chr12:1,907,942, G>C on the plus strand (C>G on the coding strand, the complement: CACNA2D4 is on the minus strand). VCF-style: chr12-1907942-G-C. GRCh37 (hg19) VCF-style: chr12-2017108-G-C.
Other names: short protein forms H194Q.
Identifiers: ClinVar variation 2061322 (VCV002061322.4), dbSNP rs2497330194, ClinGen allele CA383364324.

ClinVar aggregate classification (germline): Uncertain significance (1 of 4 stars; one submission).

Submission:

Labcorp Genetics (formerly Invitae), Labcorp
Classification: Uncertain significance. Last evaluated: 2024-06-21. Review status: criteria provided, single submitter. Criteria: Invitae Variant Classification Sherloc (09022015). Collection method: clinical testing. Allele origin: germline.
Comment: This sequence change replaces histidine, which is basic and polar, with glutamine, which is neutral and polar, at codon 194 of the CACNA2D4 protein (p.His194Gln). This variant is not present in population databases (gnomAD no frequency). This variant has not been reported in the literature in individuals affected with CACNA2D4-related conditions. ClinVar contains an entry for this variant (Variation ID: 2061322). An algorithm developed to predict the effect of missense changes on protein structure and function (PolyPhen-2) suggests that this variant is likely to be disruptive. In summary, the available evidence is currently insufficient to determine the role of this variant in disease. Therefore, it has been classified as a Variant of Uncertain Significance.